The following is an entry in ClinVar:

NC_000009.11:g.(?_135777972)_(135786520_?)del

Gene: TSC1 (TSC complex subunit 1; minus strand). Cytogenetic location: 9q34.13.
Variant type: Deletion.
Identifiers: ClinVar variation 3245183 (VCV003245183.1).

ClinVar aggregate classification (germline): Pathogenic (1 of 4 stars; one submission).

Conditions:
Tuberous sclerosis 1 (TSC1). Identifiers: Orphanet 805, MedGen C1854465, MONDO:0008612, OMIM 191100.

Submission:

Labcorp Genetics (formerly Invitae), Labcorp
Classification: Pathogenic for Tuberous sclerosis 1. Last evaluated: 2023-01-13. Review status: criteria provided, single submitter. Criteria: Invitae Variant Classification Sherloc (09022015). Collection method: clinical testing. Allele origin: unknown.
Comment: For these reasons, this variant has been classified as Pathogenic. This variant disrupts a region of the TSC1 protein in which other variant(s) (p.Ala726Glu) have been determined to be pathogenic (PMID: 9328481). This suggests that this is a clinically significant region of the protein, and that variants that disrupt it are likely to be disease-causing. This variant has not been reported in the literature in individuals affected with TSC1-related conditions. This variant is a gross deletion of the genomic region encompassing exon(s) 11-18 of the TSC1 gene. This variant would be expected to be in-frame, preserving the integrity of the reading frame.

Literature cited by the submitters: PubMed 9328481.